The following is an entry in ClinVar:

ClinVar aggregate classification (germline): Uncertain significance (1 of 4 stars; one submission).

Conditions:
Usher syndrome type 3B. Also called: USHER SYNDROME, TYPE IIIB. Identifiers: MedGen C3281066, MONDO:0013788, OMIM 614504.

Submission:

Labcorp Genetics (formerly Invitae), Labcorp
Classification: Uncertain significance for Usher syndrome type 3B. Last evaluated: 2022-05-03. Review status: criteria provided, single submitter. Criteria: Invitae Variant Classification Sherloc (09022015). Collection method: clinical testing. Allele origin: germline.
Comment: In summary, the available evidence is currently insufficient to determine the role of this variant in disease. Therefore, it has been classified as a Variant of Uncertain Significance. Algorithms developed to predict the effect of sequence changes on RNA splicing suggest that this variant may disrupt the consensus splice site. This variant has not been reported in the literature in individuals affected with HARS-related conditions. This variant is not present in population databases (gnomAD no frequency). This sequence change falls in intron 7 of the HARS gene. It does not directly change the encoded amino acid sequence of the HARS protein.

NM_002109.6(HARS1):c.730-20A>G

Gene: HARS1 (histidyl-tRNA synthetase 1; minus strand). Cytogenetic location: 5q31.3.
Variant type: single nucleotide variant.
Coding change: c.730-20A>G on transcript NM_002109.6 (MANE Select); 20 bases into the intron before coding-DNA position 730, A replaced by G.
Molecular consequence: intron variant.
Genome position (GRCh38, 1-based): chr5:140,677,440, T>C on the plus strand (A>G on the coding strand, the complement: HARS1 is on the minus strand). VCF-style: chr5-140677440-T-C. GRCh37 (hg19) VCF-style: chr5-140057025-T-C.
Other names: c.643-20A>G (NM_001289094.2); c.388-20A>G (NM_001289093.2); c.550-20A>G (NM_001258042.3); c.610-20A>G (NM_001258040.3); c.508-20A>G (NM_001289092.2); c.670-20A>G (NM_001258041.3).
Identifiers: ClinVar variation 2133114 (VCV002133114.4), dbSNP rs2481253331, ClinGen allele CA2580073027.